The following is an entry in ClinVar:

ClinVar aggregate classification (germline): Uncertain significance. Review status: criteria provided, multiple submitters, no conflicts (2 of 4 stars). 2 submissions from 2 submitters: Uncertain significance (2). Last evaluated 2026-02-01.

Conditions:
Inborn genetic diseases. Identifiers: MedGen C0950123, MeSH D030342.

gnomAD v4.1: 2 of 1,614,218 alleles (0.00012%); highest among the groups gnomAD compares: Admixed American, 0.0017%; no homozygotes.

Submissions (2):

CeGaT Center for Human Genetics Tuebingen
Classification: Uncertain significance. Last evaluated: 2026-02-01. Review status: criteria provided, single submitter. Criteria: CeGaT Center For Human Genetics Tuebingen Variant Classification Criteria Version 2. Collection method: clinical testing. Allele origin: germline. Affected: yes. Observed: 1 variant allele.
Comment: TTI1: PM2, PM3:Supporting

Ambry Genetics
Classification: Uncertain significance for Inborn genetic diseases. Last evaluated: 2023-12-09. Review status: criteria provided, single submitter. Criteria: Ambry Variant Classification Scheme 2023. Collection method: clinical testing. Allele origin: germline.

NM_001303457.2(TTI1):c.2441T>C (p.Leu814Pro)

Gene: TTI1 (TELO2 interacting protein 1; minus strand). Cytogenetic location: 20q11.23.
Variant type: single nucleotide variant.
Coding change: c.2441T>C on transcript NM_001303457.2 (MANE Select); coding-DNA position 2441, T replaced by C.
Protein change: p.Leu814Pro; replaces leucine 814 with proline.
Molecular consequence: missense variant.
Genome position (GRCh38, 1-based): chr20:38,006,259, A>G on the plus strand (T>C on the coding strand, the complement: TTI1 is on the minus strand). VCF-style: chr20-38006259-A-G. GRCh37 (hg19) VCF-style: chr20-36634661-A-G.
Other names: c.2441T>C, p.Leu814Pro (NM_014657.3); short protein forms L814P.
Identifiers: ClinVar variation 3184472 (VCV003184472.5), dbSNP rs749118425, ClinGen allele CA408857113.